The following is an entry in ClinVar:

NM_007294.4(BRCA1):c.5518del (p.Asp1840fs)

Gene: BRCA1 (BRCA1 DNA repair associated; minus strand). Cytogenetic location: 17q21.31.
Variant type: Deletion.
Coding change: c.5518del on transcript NM_007294.4 (MANE Select); coding-DNA position 5518, one base deleted (G; older notation c.5518delG).
Protein change: p.Asp1840fs; shifts the reading frame from aspartic acid 1840.
Molecular consequence: frameshift variant. On other transcripts: 3 prime UTR variant (1), non-coding transcript variant (1).
Genome position (GRCh38, 1-based): chr17:43,045,752, C deleted on the plus strand (G on the coding strand, the reverse complement: BRCA1 is on the minus strand); the first of 2 consecutive C bases (chr17:43,045,752-43,045,753); deleting either gives the same sequence. VCF-style (leftmost placement, unchanged base first): chr17-43045751-TC-T. GRCh37 (hg19) VCF-style: chr17-41197768-TC-T.
Other names: c.5518delG (NM_007294.3); c.1938delG, p.Asp647Thrfs (NM_001408505.1); c.1881delG, p.Asp628Thrfs (NM_001408506.1); c.1878delG, p.Asp627Thrfs (NM_001408507.1); c.1869delG, p.Asp624Thrfs (NM_001408508.1); c.1866delG, p.Asp623Thrfs (NM_001408509.1); c.1827delG, p.Asp610Thrfs (NM_001408510.1); c.1824delG, p.Asp609Thrfs (NM_001408511.1); and 78 more; short protein forms D1840fs, D1793fs, D1861fs, D736fs.
Identifiers: ClinVar variation 548201 (VCV000548201.15), dbSNP rs1555574414, ClinGen allele CA658824707.

ClinVar aggregate classification (germline): Pathogenic. Review status: reviewed by expert panel (3 of 4 stars). 3 submissions from 3 submitters: Pathogenic (1). 2 of the submissions do not count toward it. Last evaluated 2017-12-15.

Conditions:
Hereditary cancer-predisposing syndrome. Also called: Hereditary Cancer Syndrome; Tumor predisposition; Neoplastic Syndromes, Hereditary; Hereditary neoplastic syndrome. Identifiers: Orphanet 140162, MedGen C0027672, MeSH D009386, MONDO:0015356.
Breast-ovarian cancer, familial, susceptibility to, 1 (BROVCA1). Also called: BRCA1 Hereditary Breast and Ovarian Cancer; OVARIAN CANCER, SUSCEPTIBILITY TO. Identifiers: Orphanet 145, MedGen C2676676, MONDO:0011450, OMIM 604370. Disease mechanism: loss of function.

Submissions (3):

Evidence-based Network for the Interpretation of Germline Mutant Alleles (ENIGMA)
Classification: Pathogenic for Breast-ovarian cancer, familial, susceptibility to, 1. Last evaluated: 2017-12-15. Review status: reviewed by expert panel. Criteria: ENIGMA BRCA1/2 Classification Criteria (2017-06-29). Collection method: curation. Allele origin: germline. Study: ENIGMA.
Comment: Variant allele predicted to encode a truncated non-functional protein.

CeGaT Center for Human Genetics Tuebingen
Classification: Likely pathogenic. Last evaluated: 2026-02-01. Review status: criteria provided, single submitter. Criteria: CeGaT Center For Human Genetics Tuebingen Variant Classification Criteria Version 2. Collection method: clinical testing. Allele origin: germline. Affected: yes. Observed: 2 variant alleles. Not counted in ClinVar's aggregate classification.
Comment: BRCA1: PVS1:Strong, PM2

Color Diagnostics, LLC DBA Color Health
Classification: Pathogenic for Hereditary cancer-predisposing syndrome. Last evaluated: 2023-03-06. Review status: criteria provided, single submitter. Criteria: ACMG Guidelines, 2015. Collection method: clinical testing. Allele origin: germline. Not counted in ClinVar's aggregate classification.
Comment: This variant deletes 1 nucleotide in exon 23 of the BRCA1 gene, creating a premature translation stop signal in the last coding exon. While this variant is not expected to trigger nonsense-mediated decay, the truncation is predicted to delete the C-terminus of the BRCT domain that is important for phosphopeptide binding and DNA damage response (PMID: 25701377). To our knowledge, this variant has not been reported in individuals affected with hereditary cancer in the literature. However, two variants resulting in the nonsense mutation, p.Tyr1853*, that is C-terminal to codon 1840, have been detected in individuals affected with breast and ovarian cancer (PMID: 7894493, 20104584, 24504028, 24728189). The deleted C-terminus includes codons 1841, 1843 and 1853, where missense variants have been reported as disease-causing in ClinVar (variation ID: 37681, 55614, 55627), suggesting that the deleted region is functionally important. This variant has not been identified in the general population by the Genome Aggregation Database (gnomAD). Loss of BRCA1 function is a known mechanism of disease. Based on the available evidence, this variant is classified as Pathogenic.

Literature cited by the submitters: PubMed 7894493 (cited by Color Diagnostics, LLC DBA Color Health); PubMed 20104584 (cited by Color Diagnostics, LLC DBA Color Health); PubMed 24504028 (cited by Color Diagnostics, LLC DBA Color Health); PubMed 24728189 (cited by Color Diagnostics, LLC DBA Color Health); PubMed 25701377 (cited by Color Diagnostics, LLC DBA Color Health).